The following is an entry in ClinVar:

ClinVar aggregate classification (germline): Likely pathogenic. Review status: criteria provided, multiple submitters, no conflicts (2 of 4 stars). 6 submissions from 6 submitters: Likely pathogenic (5). 1 of the submissions does not count toward it. Last evaluated 2026-01-18.

Conditions:
CTNNA1-related disorder. Also called: CTNNA1-related condition.
Hereditary cancer-predisposing syndrome. Also called: Hereditary Cancer Syndrome; Hereditary neoplastic syndrome; Neoplastic Syndromes, Hereditary; Tumor predisposition. Identifiers: Orphanet 140162, MedGen C0027672, MeSH D009386, MONDO:0015356.
Hereditary diffuse gastric adenocarcinoma (HDGC). Also called: DIFFUSE GASTRIC AND LOBULAR BREAST CANCER SYNDROME. Identifiers: Orphanet 26106, MedGen C1708349, MONDO:0007648, OMIM 137215.
Patterned macular dystrophy 2. Identifiers: Orphanet 99001, MedGen C1837029, MONDO:0012162, OMIM 608970.

Allele frequency attached by ClinVar (database versions not stated): TOPMed 0.00001; gnomAD exomes below 0.00001; ExAC 0.00001; ESP Exome Variant Server 0.00008.
gnomAD v4.1: 5 of 1,607,396 alleles (0.00031%); highest among the groups gnomAD compares: Non-Finnish European, 0.00042%; no homozygotes.

Submissions (6):

Labcorp Genetics (formerly Invitae), Labcorp
Classification: Likely pathogenic. Last evaluated: 2026-01-18. Review status: criteria provided, single submitter. Criteria: Invitae Variant Classification Sherloc (09022015). Collection method: clinical testing. Allele origin: germline.
Comment: This sequence change affects a donor splice site in intron 2 of the CTNNA1 gene. RNA analysis indicates that disruption of this splice site induces altered splicing and is likely to result in the loss of the initiator methionine. This variant is present in population databases (rs374313094, gnomAD 0.0009%). Disruption of this splice site has been observed in individual(s) with diffuse gastric cancer (internal data). ClinVar contains an entry for this variant (Variation ID: 664131). Studies have shown that disruption of this splice site results in skipping of exon 2 and exons 2-3, and is expected to result in the loss of the initiator methionine (internal data). In summary, the currently available evidence indicates that the variant is pathogenic, but additional data are needed to prove that conclusively. Therefore, this variant has been classified as Likely Pathogenic.

Ambry Genetics
Classification: Likely pathogenic for Hereditary cancer-predisposing syndrome. Last evaluated: 2025-05-03. Review status: criteria provided, single submitter. Criteria: Ambry Variant Classification Scheme 2023. Collection method: clinical testing. Allele origin: germline.
Comment: The c.105+1G>C intronic variant results from a G to C substitution one nucleotide after coding exon 1 of the CTNNA1 gene. This variant is considered to be rare based on population cohorts in the Genome Aggregation Database (gnomAD). This nucleotide position is highly conserved in available vertebrate species. In silico splice site analysis predicts that this alteration will weaken the native splice donor site. RNA studies have demonstrated that this alteration results in abnormal splicing in the set of samples tested (Ambry internal data). Alterations that disrupt the canonical splice site are expected to cause aberrant splicing, resulting in an abnormal protein or a transcript that is subject to nonsense-mediated mRNA decay. As such, this alteration is classified as likely pathogenic.

GeneDx
Classification: Likely pathogenic. Last evaluated: 2024-10-21. Review status: criteria provided, single submitter. Criteria: GeneDx Variant Classification Process June 2021. Collection method: clinical testing. Allele origin: germline.
Comment: RNA studies demonstrate a damaging effect: aberrant splicing resulting in the skipping of exon 2 or exons 2 and 3 which includes the initiator codon (External communication with an outside laboratory); Not observed at significant frequency in large population cohorts (gnomAD); Observed in individuals referred for hereditary cancer multi-gene panel testing (PMID: 32051609); This variant is associated with the following publications: (PMID: 34425242, 32051609)

Baylor Genetics
Classification: Likely pathogenic for Patterned macular dystrophy 2. Last evaluated: 2024-02-23. Review status: criteria provided, single submitter. Criteria: ACMG Guidelines, 2015. Collection method: clinical testing. Allele origin: unknown.

Myriad Genetics, Inc.
Classification: Likely pathogenic for Hereditary diffuse gastric adenocarcinoma. Last evaluated: 2023-07-05. Review status: criteria provided, single submitter. Criteria: Myriad Autosomal Dominant, Autosomal Recessive and X-Linked Classification Criteria (2023). Collection method: clinical testing. Allele origin: unknown.
Comment: This variant is considered likely pathogenic. This variant occurs within a consensus splice junction and is predicted to result in abnormal mRNA splicing of either an out-of-frame exon or an in-frame exon necessary for protein stability and/or normal function.

PreventionGenetics, part of Exact Sciences
Classification: Likely pathogenic for CTNNA1-related condition. Last evaluated: 2024-06-03. Review status: no assertion criteria provided. Collection method: clinical testing. Allele origin: germline. Not counted in ClinVar's aggregate classification.
Comment: The CTNNA1 c.105+1G>C variant is predicted to disrupt the GT donor site and interfere with normal splicing. This variant has been reported in multiple individuals with a personal history of breast cancer undergoing CTNNA1 testing; in one individual a family history of gastric and breast cancer was reported (Table 1, Clark et al. 2020. PubMed ID: 32051609). This variant is reported in 0.00089% of alleles in individuals of European (non-Finnish) descent in gnomAD and has conflicting interpretations by other laboratories in the ClinVar database, ranging from uncertain to likely pathogenic. Variants that disrupt the consensus splice donor site in CTNNA1 are expected to be pathogenic. This variant is interpreted as likely pathogenic.

NM_001903.5(CTNNA1):c.105+1G>C

Gene: CTNNA1 (catenin alpha 1; plus strand). Cytogenetic location: 5q31.2.
Variant type: single nucleotide variant.
Coding change: c.105+1G>C on transcript NM_001903.5 (MANE Select); the canonical splice donor site of the intron after coding-DNA position 105, G replaced by C.
Molecular consequence: splice donor variant.
Genome position (GRCh38, 1-based): chr5:138,782,030, G>C. VCF-style: chr5-138782030-G-C. GRCh37 (hg19) VCF-style: chr5-138117719-G-C.
Other names: c.105+1G>C (NM_001323982.2, NM_001323984.2, NM_001290307.3 and 4 more transcripts); c.-102+1G>C (NM_001290310.3); c.-9+1G>C (NM_001290309.3).
Identifiers: ClinVar variation 664131 (VCV000664131.20), dbSNP rs374313094, ClinGen allele CA3431336.